The following is an entry in ClinVar:

NM_001199138.2(NLRC4):c.2628C>T (p.Asn876=)

Gene: NLRC4 (NLR family CARD domain containing 4; minus strand). Cytogenetic location: 2p22.3.
Variant type: single nucleotide variant.
Coding change: c.2628C>T on transcript NM_001199138.2 (MANE Select); coding-DNA position 2628, C replaced by T.
Protein change: p.Asn876=; no amino-acid change (asparagine 876 retained).
Molecular consequence: synonymous variant.
Genome position (GRCh38, 1-based): chr2:32,235,555, G>A on the plus strand (C>T on the coding strand, the complement: NLRC4 is on the minus strand). VCF-style: chr2-32235555-G-A. GRCh37 (hg19) VCF-style: chr2-32460624-G-A.
Other names: c.2628C>T, p.Asn876= (NM_001199139.2, NM_021209.5); c.633C>T, p.Asn211= (NM_001302504.2).
Identifiers: ClinVar variation 737280 (VCV000737280.50), dbSNP rs145285650, ClinGen allele CA1601741.

ClinVar aggregate classification (germline): Benign/Likely benign. Review status: criteria provided, multiple submitters, no conflicts (2 of 4 stars). 3 submissions from 3 submitters: Benign (2); Likely benign (1). Last evaluated 2025-12-01.

Conditions:
Periodic fever-infantile enterocolitis-autoinflammatory syndrome. Also called: Autoinflammation with infantile enterocolitis. Identifiers: Orphanet 436166, MedGen C4015067, MONDO:0014472, OMIM 616050.
Familial cold autoinflammatory syndrome 4 (FCAS4). Identifiers: Orphanet 47045, Orphanet 576349, MedGen C4015276, MONDO:0014498, OMIM 616115.

Allele frequency attached by ClinVar (database versions not stated): TOPMed 0.00012; 1000 Genomes Project 30x 0.00031; 1000 Genomes Project 0.00040.

Submissions (3):

Labcorp Genetics (formerly Invitae), Labcorp
Classification: Benign for Periodic fever-infantile enterocolitis-autoinflammatory syndrome; Familial cold autoinflammatory syndrome 4. Last evaluated: 2025-12-01. Review status: criteria provided, single submitter. Criteria: Invitae Variant Classification Sherloc (09022015). Collection method: clinical testing. Allele origin: germline.

Blueprint Genetics
Classification: Benign. Last evaluated: 2024-09-09. Review status: criteria provided, single submitter. Criteria: ACMG Guidelines, 2015. Collection method: clinical testing. Allele origin: germline.

CeGaT Center for Human Genetics Tuebingen
Classification: Likely benign. Last evaluated: 2023-09-01. Review status: criteria provided, single submitter. Criteria: CeGaT Center For Human Genetics Tuebingen Variant Classification Criteria Version 2. Collection method: clinical testing. Allele origin: germline. Affected: yes. Observed: 4 variant alleles.
Comment: NLRC4: BP4, BP7